The following is an entry in ClinVar:

NM_005732.4(RAD50):c.3752+4A>G

Genes: RAD50 (RAD50 double strand break repair protein; plus strand), TH2-LCR (Th2 cytokine locus control region; plus strand), TH2LCRR (T helper type 2 locus control region associated RNA; minus strand). Cytogenetic location: 5q31.1.
Variant type: single nucleotide variant.
Coding change: c.3752+4A>G on transcript NM_005732.4 (MANE Select); 4 bases into the intron after coding-DNA position 3752, A replaced by G.
Molecular consequence: intron variant.
Genome position (GRCh38, 1-based): chr5:132,640,809, A>G. VCF-style: chr5-132640809-A-G. GRCh37 (hg19) VCF-style: chr5-131976501-A-G.
Identifiers: ClinVar variation 1024774 (VCV001024774.8), dbSNP rs1751704410, ClinGen allele CA1583254005.

ClinVar aggregate classification (germline): Uncertain significance (1 of 4 stars; one submission).

Conditions:
Hereditary cancer-predisposing syndrome. Also called: Hereditary Cancer Syndrome; Neoplastic Syndromes, Hereditary; Tumor predisposition; Hereditary neoplastic syndrome. Identifiers: Orphanet 140162, MedGen C0027672, MeSH D009386, MONDO:0015356.

Submission:

Labcorp Genetics (formerly Invitae), Labcorp
Classification: Uncertain significance for Hereditary cancer-predisposing syndrome. Last evaluated: 2022-03-05. Review status: criteria provided, single submitter. Criteria: Invitae Variant Classification Sherloc (09022015). Collection method: clinical testing. Allele origin: germline.
Comment: In summary, the available evidence is currently insufficient to determine the role of this variant in disease. Therefore, it has been classified as a Variant of Uncertain Significance. Variants that disrupt the consensus splice site are a relatively common cause of aberrant splicing (PMID: 17576681, 9536098). Algorithms developed to predict the effect of sequence changes on RNA splicing suggest that this variant may create or strengthen a splice site. ClinVar contains an entry for this variant (Variation ID: 1024774). This variant has not been reported in the literature in individuals affected with RAD50-related conditions. This variant is not present in population databases (gnomAD no frequency). This sequence change falls in intron 24 of the RAD50 gene. It does not directly change the encoded amino acid sequence of the RAD50 protein. It affects a nucleotide within the consensus splice site.

Literature cited by the submitters: PubMed 17576681; PubMed 9536098.